The following is an entry in ClinVar:

NM_001005361.3(DNM2):c.-48_-47delinsTTGAGGGTCGCCCG

Genes: DNM2 (dynamin 2; plus strand), LOC130063529 (ATAC-STARR-seq lymphoblastoid silent region 10090; plus strand). Cytogenetic location: 19p13.2.
Variant type: Indel.
Coding change: c.-48_-47delinsTTGAGGGTCGCCCG on transcript NM_001005361.3 (MANE Select); 48 bases upstream of the start codon through 47 bases upstream of the start codon, GC replaced by TTGAGGGTCGCCCG.
Molecular consequence: 5 prime UTR variant.
Genome position (GRCh38, 1-based): chr19:10,718,195-10,718,196, GC replaced by TTGAGGGTCGCCCG. VCF-style: chr19-10718195-GC-TTGAGGGTCGCCCG. GRCh37 (hg19) VCF-style: chr19-10828871-GC-TTGAGGGTCGCCCG.
Other names: c.-48_-47delinsTTGAGGGTCGCCCG (NM_001190716.2, NM_001005360.3, NM_001005362.3 and 1 more transcripts); c.-48_-47delGCinsTTGAGGGTCGCCCG (NM_001005360.2).
Identifiers: ClinVar variation 422584 (VCV000422584.1), dbSNP rs1064795874, ClinGen allele CA16620724.

ClinVar aggregate classification (germline): Likely benign (1 of 4 stars; one submission).

Submission:

GeneDx
Classification: Likely benign. Last evaluated: 2016-10-20. Review status: criteria provided, single submitter. Criteria: GeneDx Variant Classification (06012015). Collection method: clinical testing. Allele origin: germline. Affected: yes.
Comment: This variant is considered likely benign or benign based on one or more of the following criteria: it is a conservative change, it occurs at a poorly conserved position in the protein, it is predicted to be benign by multiple in silico algorithms, and/or has population frequency not consistent with disease.